The following is an entry in ClinVar:

NM_003482.4(KMT2D):c.5752C>T (p.Arg1918Cys)

Gene: KMT2D (lysine methyltransferase 2D; minus strand). Cytogenetic location: 12q13.12.
Variant type: single nucleotide variant.
Coding change: c.5752C>T on transcript NM_003482.4 (MANE Select); coding-DNA position 5752, C replaced by T.
Protein change: p.Arg1918Cys; replaces arginine 1918 with cysteine.
Molecular consequence: missense variant.
Genome position (GRCh38, 1-based): chr12:49,042,771, G>A on the plus strand (C>T on the coding strand, the complement: KMT2D is on the minus strand). VCF-style: chr12-49042771-G-A. GRCh37 (hg19) VCF-style: chr12-49436554-G-A.
Other names: short protein forms R1918C.
Identifiers: ClinVar variation 547434 (VCV000547434.8), dbSNP rs747722455, ClinGen allele CA6547456.

ClinVar aggregate classification (germline): Conflicting classifications of pathogenicity. Review status: criteria provided, conflicting classifications (1 of 4 stars). 5 submissions from 5 submitters: Uncertain significance (2); Benign (1); Likely benign (2). Last evaluated 2026-09-01.

Conditions:
Kabuki syndrome 1 (KABUK1). Also called: KMT2D-Related Kabuki Syndrome. Identifiers: Orphanet 2322, MedGen CN030661, MONDO:0007843, OMIM 147920.
Kabuki syndrome. Also called: NIIKAWA-KUROKI SYNDROME; Kabuki make-up syndrome. Identifiers: Orphanet 2322, MedGen C0796004, MONDO:0016512.

Allele frequency attached by ClinVar (database versions not stated): ExAC 0.00002; gnomAD exomes 0.00003; gnomAD 0.00004 and 0.00005; TOPMed 0.00007.
gnomAD v4.1: 43 of 1,613,786 alleles (0.0027%); highest among the groups gnomAD compares: Middle Eastern, 0.033%; no homozygotes.

Submissions (5):

CeGaT Center for Human Genetics Tuebingen
Classification: Likely benign. Last evaluated: 2026-09-01. Review status: criteria provided, single submitter. Criteria: CeGaT Center For Human Genetics Tuebingen Variant Classification Criteria Version 2. Collection method: clinical testing. Allele origin: germline. Affected: yes. Observed: 1 variant allele.
Comment: KMT2D: PP2, BP4, BS1

Labcorp Genetics (formerly Invitae), Labcorp
Classification: Benign for Kabuki syndrome. Last evaluated: 2025-11-06. Review status: criteria provided, single submitter. Criteria: Invitae Variant Classification Sherloc (09022015). Collection method: clinical testing. Allele origin: germline.

GeneDx
Classification: Uncertain significance. Last evaluated: 2024-04-30. Review status: criteria provided, single submitter. Criteria: GeneDx Variant Classification Process June 2021. Collection method: clinical testing. Allele origin: germline. Affected: yes.
Comment: In silico analysis supports that this missense variant has a deleterious effect on protein structure/function; Has not been previously published as pathogenic or benign to our knowledge

Genetic Services Laboratory, University of Chicago
Classification: Uncertain significance. Last evaluated: 2021-03-01. Review status: criteria provided, single submitter. Criteria: ACMG Guidelines, 2015. Collection method: clinical testing. Allele origin: germline. Affected: no.

Center for Human Genetics, Inc
Classification: Likely benign for Kabuki syndrome 1. Last evaluated: 2016-11-01. Review status: criteria provided, single submitter. Criteria: ACMG Guidelines, 2015. Collection method: clinical testing. Allele origin: germline. Affected: yes.